The following is an entry in ClinVar:

NM_000016.6(ACADM):c.982A>G (p.Met328Val)

Gene: ACADM (acyl-CoA dehydrogenase medium chain; plus strand). Cytogenetic location: 1p31.1.
Variant type: single nucleotide variant.
Coding change: c.982A>G on transcript NM_000016.6 (MANE Select); coding-DNA position 982, A replaced by G.
Protein change: p.Met328Val; replaces methionine 328 with valine.
Molecular consequence: missense variant.
Genome position (GRCh38, 1-based): chr1:75,761,158, A>G. VCF-style: chr1-75761158-A-G. GRCh37 (hg19) VCF-style: chr1-76226843-A-G.
Other names: c.994A>G, p.Met332Val (NM_001127328.3); c.874A>G, p.Met292Val (NM_001286042.2); c.1081A>G, p.Met361Val (NM_001286043.2); c.415A>G, p.Met139Val (NM_001286044.2); short protein forms M139V, M332V, M292V, M361V, M328V.
Identifiers: ClinVar variation 859269 (VCV000859269.12), dbSNP rs1648825926, ClinGen allele CA340817915.

ClinVar aggregate classification (germline): Pathogenic/Likely pathogenic. Review status: criteria provided, multiple submitters, no conflicts (2 of 4 stars). 3 submissions from 3 submitters: Pathogenic (1); Likely pathogenic (2). Last evaluated 2024-09-16.

Conditions:
Medium-chain acyl-coenzyme A dehydrogenase deficiency (ACADMD). Also called: MCAD Deficiency; ACADM DEFICIENCY; MCADH DEFICIENCY; CARNITINE DEFICIENCY SECONDARY TO MEDIUM-CHAIN ACYL-CoA DEHYDROGENASE DEFICIENCY; Medium chain acyl-CoA dehydrogenase deficiency; MCADD. Identifiers: Orphanet 42, MedGen C0220710, MONDO:0008721, OMIM 201450.

Allele frequency attached by ClinVar (database versions not stated): gnomAD exomes below 0.00001.
gnomAD v4.1: 2 of 1,614,094 alleles (0.00012%); highest among the groups gnomAD compares: Non-Finnish European, 0.00017%; no homozygotes.

Submissions (3):

Natera, Inc.
Classification: Likely pathogenic for Medium Chain Acyl-CoA Dehydrogenase Deficiency. Last evaluated: 2024-09-16. Review status: criteria provided, single submitter. Criteria: Natera Variant Classification Schema (03/2026). Collection method: clinical testing. Allele origin: germline.
Comment: The c.982A>G variant in ACADM is a missense variant predicted to cause substitution of methionine to valine at amino acid 328. This variant is rare in the general population with a frequency below the threshold expected for the associated phenotype(s). This variant has been observed in one or more individuals affected with the associated recessive disease, as either homozygous or compound heterozygous with a second variant (PMID: 23028790, 36068006, 30675864). Functional studies show that this variant may disrupt protein function (PMID: 24966162). Given the available evidence, this variant is classified as Likely Pathogenic.

Baylor Genetics
Classification: Likely pathogenic for Medium-chain acyl-coenzyme A dehydrogenase deficiency. Last evaluated: 2024-02-08. Review status: criteria provided, single submitter. Criteria: ACMG Guidelines, 2015. Collection method: clinical testing. Allele origin: unknown.

Labcorp Genetics (formerly Invitae), Labcorp
Classification: Pathogenic for Medium-chain acyl-coenzyme A dehydrogenase deficiency. Last evaluated: 2023-08-04. Review status: criteria provided, single submitter. Criteria: Invitae Variant Classification Sherloc (09022015). Collection method: clinical testing. Allele origin: germline.
Comment: For these reasons, this variant has been classified as Pathogenic. Experimental studies have shown that this missense change affects ACADM function (PMID: 24966162). Advanced modeling of protein sequence and biophysical properties (such as structural, functional, and spatial information, amino acid conservation, physicochemical variation, residue mobility, and thermodynamic stability) performed at Invitae indicates that this missense variant is not expected to disrupt ACADM protein function. ClinVar contains an entry for this variant (Variation ID: 859269). This variant is also known as M303V. This missense change has been observed in individual(s) with medium-chain acyl-coenzyme A dehydrogenase deficiency (PMID: 23028790; Invitae). In at least one individual the data is consistent with being in trans (on the opposite chromosome) from a pathogenic variant. This variant is not present in population databases (gnomAD no frequency). This sequence change replaces methionine, which is neutral and non-polar, with valine, which is neutral and non-polar, at codon 328 of the ACADM protein (p.Met328Val).

Literature cited by the submitters: PubMed 23028790 (cited by Natera, Inc. and Labcorp Genetics (formerly Invitae), Labcorp); PubMed 36068006 (cited by Natera, Inc.); PubMed 30675864 (cited by Natera, Inc.); PubMed 24966162 (cited by Natera, Inc. and Labcorp Genetics (formerly Invitae), Labcorp).